The following is an entry in ClinVar:

ClinVar aggregate classification (germline): Likely benign (1 of 4 stars; one submission).

Conditions:
Mitochondrial complex V (ATP synthase) deficiency, nuclear type 2. Also called: Nuclear-Encoded ATPase Deficiency, TMEM70-Related; ENCEPHALOCARDIOMYOPATHY, MITOCHONDRIAL, NEONATAL, DUE TO ATP SYNTHASE DEFICIENCY; MITOCHONDRIAL COMPLEX V (ATP SYNTHASE) DEFICIENCY, TMEM70 TYPE. Identifiers: Orphanet 1194, MedGen C3279699, MONDO:0013546, OMIM 614052.

Allele frequency attached by ClinVar (database versions not stated): 1000 Genomes Project 0.00140; TOPMed 0.00410; 1000 Genomes Project 30x 0.00125.

Submission:

Illumina Laboratory Services, Illumina
Classification: Likely benign for Mitochondrial complex V (ATP synthase) deficiency, nuclear type 2. Last evaluated: 2018-01-13. Review status: criteria provided, single submitter. Criteria: ICSL Variant Classification Criteria 13 December 2019. Collection method: clinical testing. Allele origin: germline.
Comment: This variant was observed in the ICSL laboratory as part of a predisposition screen in an ostensibly healthy population. It had not been previously curated by ICSL or reported in the Human Gene Mutation Database (HGMD: prior to June 1st, 2018), and was therefore a candidate for classification through an automated scoring system. Utilizing variant allele frequency, disease prevalence and penetrance estimates, and inheritance mode, an automated score was calculated to assess if this variant is too frequent to cause the disease. Based on the score and internal cut-off values, a variant classified as likely benign is not then subjected to further curation. The score for this variant resulted in a classification of likely benign for this disease.

NM_017866.6(TMEM70):c.*1153G>A

Gene: TMEM70 (transmembrane protein 70; plus strand). Cytogenetic location: 8q21.11.
Variant type: single nucleotide variant.
Coding change: c.*1153G>A on transcript NM_017866.6 (MANE Select); 1153 bases downstream of the stop codon, G replaced by A.
Molecular consequence: 3 prime UTR variant. On other transcripts: non-coding transcript variant (1).
Genome position (GRCh38, 1-based): chr8:73,982,774, G>A. VCF-style: chr8-73982774-G-A. GRCh37 (hg19) VCF-style: chr8-74895009-G-A.
Other names: c.*1626G>A (NM_001040613.3).
Identifiers: ClinVar variation 363717 (VCV000363717.5), dbSNP rs181595554, ClinGen allele CA4784293.